The following is an entry in ClinVar:

ClinVar aggregate classification (germline): Uncertain significance (1 of 4 stars; one submission).

Conditions:
Progressive familial intrahepatic cholestasis type 1. Also called: BYLER DISEASE; Severe ATP8B1 Deficiency (Progressive Familial Intrahepatic Cholestasis Type 1 [PFIC1]); Byler's disease. Identifiers: Orphanet 79306, MedGen C4551898, MONDO:0008892, OMIM 211600.

Submission:

Neuberg Centre For Genomic Medicine, NCGM
Classification: Uncertain significance for Progressive familial intrahepatic cholestasis type 1. Last evaluated: 2023-05-20. Review status: criteria provided, single submitter. Criteria: ACMG Guidelines, 2015. Collection method: clinical testing. Allele origin: germline. Inheritance: Autosomal recessive inheritance. Affected: yes.
Comment: The observed missense c.1955G>C(p.Arg652Thr) variant in ATP8B1 gene has not been reported previously as a pathogenic variant nor as a benign variant, to our knowledge. This variant is absent in gnomAD Exomes. The amino acid Arg at position 652 is changed to a Thr changing protein sequence and it might alter its composition and physico-chemical properties. The amino acid change p.Arg652Thr in ATP8B1 is predicted as conserved by GERP++ and PhyloP across 100 vertebrates. Multiple lines of computational evidence (Polyphen - Damaging, SIFT - Damaging and MutationTaster - Disease causing) predict a damaging effect on protein structure and function for this variant. For these reasons, this variant has been classified as Uncertain Significance.

NM_001374385.1(ATP8B1):c.1955G>C (p.Arg652Thr)

Gene: ATP8B1 (ATPase phospholipid transporting 8B1; minus strand). Cytogenetic location: 18q21.31.
Variant type: single nucleotide variant.
Coding change: c.1955G>C on transcript NM_001374385.1 (MANE Select); coding-DNA position 1955, G replaced by C.
Protein change: p.Arg652Thr; replaces arginine 652 with threonine.
Molecular consequence: missense variant.
Genome position (GRCh38, 1-based): chr18:57,669,460, C>G on the plus strand (G>C on the coding strand, the complement: ATP8B1 is on the minus strand). VCF-style: chr18-57669460-C-G. GRCh37 (hg19) VCF-style: chr18-55336692-C-G.
Other names: c.1805G>C, p.Arg602Thr (NM_001374386.1); c.1955G>C, p.Arg652Thr (NM_005603.6); short protein forms R602T, R652T.
Identifiers: ClinVar variation 3341319 (VCV003341319.1).